The following is an entry in ClinVar:

ClinVar aggregate classification (germline): Uncertain significance (1 of 4 stars; one submission).

Conditions:
Hyperphosphatasia with impaired intellectual development syndrome 2. Also called: Hyperphosphatasia with intellectual disability syndrome 2; GLYCOSYLPHOSPHATIDYLINOSITOL BIOSYNTHESIS DEFECT 6. Identifiers: Orphanet 247262, MedGen C3553637, MONDO:0013882, OMIM 614749.

Submission:

Labcorp Genetics (formerly Invitae), Labcorp
Classification: Uncertain significance for Hyperphosphatasia with impaired intellectual development syndrome 2. Last evaluated: 2019-07-31. Review status: criteria provided, single submitter. Criteria: Invitae Variant Classification Sherloc (09022015). Collection method: clinical testing. Allele origin: germline.
Comment: In summary, the available evidence is currently insufficient to determine the role of this variant in disease. Therefore, it has been classified as a Variant of Uncertain Significance. Algorithms developed to predict the effect of missense changes on protein structure and function (SIFT, PolyPhen-2, Align-GVGD) all suggest that this variant is likely to be tolerated, but these predictions have not been confirmed by published functional studies and their clinical significance is uncertain. This variant has not been reported in the literature in individuals with PIGO-related conditions. This variant is not present in population databases (ExAC no frequency). This sequence change replaces leucine with valine at codon 466 of the PIGO protein (p.Leu466Val). The leucine residue is moderately conserved and there is a small physicochemical difference between leucine and valine.

NM_032634.4(PIGO):c.1396C>G (p.Leu466Val)

Gene: PIGO (phosphatidylinositol glycan anchor biosynthesis class O; minus strand). Cytogenetic location: 9p13.3.
Variant type: single nucleotide variant.
Coding change: c.1396C>G on transcript NM_032634.4 (MANE Select); coding-DNA position 1396, C replaced by G.
Protein change: p.Leu466Val; replaces leucine 466 with valine.
Molecular consequence: missense variant. On other transcripts: intron variant (2).
Genome position (GRCh38, 1-based): chr9:35,092,491, G>C on the plus strand (C>G on the coding strand, the complement: PIGO is on the minus strand). VCF-style: chr9-35092491-G-C. GRCh37 (hg19) VCF-style: chr9-35092488-G-C.
Other names: c.1344+52C>G (NM_152850.4, NM_001201484.2); short protein forms L466V.
Identifiers: ClinVar variation 953186 (VCV000953186.9), dbSNP rs1829476284, ClinGen allele CA373322201.